The following is an entry in ClinVar:

NM_003919.3(SGCE):c.446A>C (p.Asn149Thr)

Genes: CASD1 (CAS1 domain sialic acid O acetyltransferase 1; plus strand), SGCE (sarcoglycan epsilon; minus strand). Cytogenetic location: 7q21.3.
Variant type: single nucleotide variant.
Coding change: c.446A>C on transcript NM_003919.3 (MANE Select); coding-DNA position 446, A replaced by C.
Protein change: p.Asn149Thr; replaces asparagine 149 with threonine.
Molecular consequence: missense variant.
Genome position (GRCh38, 1-based): chr7:94,623,342, T>G on the plus strand (A>C on the coding strand, the complement: SGCE is on the minus strand). VCF-style: chr7-94623342-T-G. GRCh37 (hg19) VCF-style: chr7-94252654-T-G.
Other names: c.446A>C, p.Asn149Thr (NM_001099400.2, NM_001099401.2, NM_001346717.2); c.323A>C, p.Asn108Thr (NM_001301139.2, NM_001362809.2); c.554A>C, p.Asn185Thr (NM_001346713.2, NM_001346715.2); c.359A>C, p.Asn120Thr (NM_001346719.2, NM_001362807.2); c.173A>C, p.Asn58Thr (NM_001346720.2, NM_001362808.2); short protein forms N185T, N58T, N108T, N120T, N149T.
Identifiers: ClinVar variation 660209 (VCV000660209.9), dbSNP rs991557646, ClinGen allele CA162938037.

ClinVar aggregate classification (germline): Uncertain significance. Review status: criteria provided, multiple submitters, no conflicts (2 of 4 stars). 2 submissions from 2 submitters: Uncertain significance (2). Last evaluated 2023-04-27.

Conditions:
Myoclonic dystonia 11 (DYT11). Also called: SGCE Myoclonus-Dystonia; Myoclonus-Dystonia; DYT-SGCE; Myoclonic dystonia; Dystonia 11; Dystonia, alcohol responsive. Identifiers: Orphanet 36899, MedGen C1834570, MONDO:0008044, OMIM 159900.

Allele frequency attached by ClinVar (database versions not stated): gnomAD exomes below 0.00001; TOPMed below 0.00001.
gnomAD v4.1: 4 of 1,597,928 alleles (0.00025%); highest among the groups gnomAD compares: Admixed American, 0.0017%; no homozygotes.

Submissions (2):

GeneDx
Classification: Uncertain significance. Last evaluated: 2023-04-27. Review status: criteria provided, single submitter. Criteria: GeneDx Variant Classification Process June 2021. Collection method: clinical testing. Allele origin: germline. Affected: yes.
Comment: Not observed at significant frequency in large population cohorts (gnomAD); In silico analysis supports that this missense variant does not alter protein structure/function; Has not been previously published as pathogenic or benign to our knowledge

Labcorp Genetics (formerly Invitae), Labcorp
Classification: Uncertain significance for Myoclonic dystonia 11. Last evaluated: 2022-02-24. Review status: criteria provided, single submitter. Criteria: Invitae Variant Classification Sherloc (09022015). Collection method: clinical testing. Allele origin: germline.
Comment: Algorithms developed to predict the effect of missense changes on protein structure and function (SIFT, PolyPhen-2, Align-GVGD) all suggest that this variant is likely to be tolerated. In summary, the available evidence is currently insufficient to determine the role of this variant in disease. Therefore, it has been classified as a Variant of Uncertain Significance. ClinVar contains an entry for this variant (Variation ID: 660209). This sequence change replaces asparagine, which is neutral and polar, with threonine, which is neutral and polar, at codon 149 of the SGCE protein (p.Asn149Thr). This variant is not present in population databases (gnomAD no frequency). This variant has not been reported in the literature in individuals affected with SGCE-related conditions.